The following is an entry in ClinVar:

ClinVar aggregate classification (germline): Likely benign. Review status: criteria provided, multiple submitters, no conflicts (2 of 4 stars). 3 submissions from 3 submitters: Likely benign (2). 1 of the submissions does not count toward it. Last evaluated 2024-05-29.

Conditions:
CHAMP1-related disorder. Also called: CHAMP1-related condition.
Inborn genetic diseases. Identifiers: MedGen C0950123, MeSH D030342.

Allele frequency attached by ClinVar (database versions not stated): 1000 Genomes Project 30x 0.00016; 1000 Genomes Project 0.00020; ExAC 0.00020; gnomAD 0.00021; TOPMed 0.00022; ESP Exome Variant Server 0.00023; gnomAD exomes 0.00039.
gnomAD v4.1: 586 of 1,614,058 alleles (0.036%); highest among the groups gnomAD compares: Non-Finnish European, 0.046%; no homozygotes.

Submissions (3):

Ambry Genetics
Classification: Likely benign for Inborn genetic diseases. Last evaluated: 2024-05-29. Review status: criteria provided, single submitter. Criteria: Ambry Variant Classification Scheme 2023. Collection method: clinical testing. Allele origin: germline.

CeGaT Center for Human Genetics Tuebingen
Classification: Likely benign. Last evaluated: 2023-05-01. Review status: criteria provided, single submitter. Criteria: CeGaT Center For Human Genetics Tuebingen Variant Classification Criteria Version 2. Collection method: clinical testing. Allele origin: germline. Affected: yes. Observed: 1 variant allele.
Comment: CHAMP1: BP4, BS2

PreventionGenetics, part of Exact Sciences
Classification: Likely benign for CHAMP1-related condition. Last evaluated: 2023-02-13. Review status: no assertion criteria provided. Collection method: clinical testing. Allele origin: germline. Not counted in ClinVar's aggregate classification.
Comment: This variant is classified as likely benign based on ACMG/AMP sequence variant interpretation guidelines (Richards et al. 2015 PMID: 25741868, with internal and published modifications).

NM_032436.4(CHAMP1):c.814C>T (p.Arg272Trp)

Gene: CHAMP1 (chromosome alignment maintaining phosphoprotein 1; plus strand). Cytogenetic location: 13q34.
Variant type: single nucleotide variant.
Coding change: c.814C>T on transcript NM_032436.4 (MANE Select); coding-DNA position 814, C replaced by T.
Protein change: p.Arg272Trp; replaces arginine 272 with tryptophan.
Molecular consequence: missense variant.
Genome position (GRCh38, 1-based): chr13:114,324,656, C>T. VCF-style: chr13-114324656-C-T. GRCh37 (hg19) VCF-style: chr13-115090131-C-T.
Other names: c.814C>T, p.Arg272Trp (NM_001164144.3, NM_001164145.3); c.814C>T (NM_001164145.2, NM_032436.2); short protein forms R272W.
Identifiers: ClinVar variation 2644021 (VCV002644021.26), dbSNP rs143280916, ClinGen allele CA7070695.